The following is an entry in ClinVar:

NM_000372.5(TYR):c.455C>G (p.Pro152Arg)

Gene: TYR (tyrosinase; plus strand). Cytogenetic location: 11q14.3.
Variant type: single nucleotide variant.
Coding change: c.455C>G on transcript NM_000372.5 (MANE Select); coding-DNA position 455, C replaced by G.
Protein change: p.Pro152Arg; replaces proline 152 with arginine.
Molecular consequence: missense variant.
Genome position (GRCh38, 1-based): chr11:89,178,408, C>G. VCF-style: chr11-89178408-C-G. GRCh37 (hg19) VCF-style: chr11-88911576-C-G.
Other names: short protein forms P152R.
Identifiers: ClinVar variation 2130645 (VCV002130645.2), dbSNP rs1464062644, ClinGen allele CA382034438.

ClinVar aggregate classification (germline): Uncertain significance. Review status: criteria provided, multiple submitters, no conflicts (2 of 4 stars). 2 submissions from 2 submitters: Uncertain significance (2). Last evaluated 2025-09-04.

Submissions (2):

Women's Health and Genetics/Laboratory Corporation of America, LabCorp
Classification: Uncertain significance. Last evaluated: 2025-09-04. Review status: criteria provided, single submitter. Criteria: LabCorp Variant Classification Summary - May 2015. Collection method: clinical testing. Allele origin: germline.
Comment: Variant summary: TYR c.455C>G (p.Pro152Arg) results in a non-conservative amino acid change in the encoded protein sequence. Algorithms developed to predict the effect of missense changes on protein structure and function all suggest that this variant is likely to be disruptive. The variant was absent in 251430 control chromosomes. The available data on variant occurrences in the general population are insufficient to allow any conclusion about variant significance. c.455C>G has been observed in two individuals, a father and son, with foveal hypoplasia and slightly subnormal visual acuity who were found to be affected with a very mild clinical presentation of Oculocutaneous Albinism following extensive genotypic and phenotypic characterization (Rocca_2022). This report does not provide unequivocal conclusions about association of the variant with Oculocutaneous Albinism. To our knowledge, no experimental evidence demonstrating an impact on protein function has been reported. The following publication has been ascertained in the context of this evaluation (PMID: 35887175). ClinVar contains an entry for this variant (Variation ID: 2130645). Based on the evidence outlined above, the variant was classified as uncertain significance.

Labcorp Genetics (formerly Invitae), Labcorp
Classification: Uncertain significance. Last evaluated: 2022-05-04. Review status: criteria provided, single submitter. Criteria: Invitae Variant Classification Sherloc (09022015). Collection method: clinical testing. Allele origin: germline.
Comment: This sequence change replaces proline, which is neutral and non-polar, with arginine, which is basic and polar, at codon 152 of the TYR protein (p.Pro152Arg). This variant is not present in population databases (gnomAD no frequency). This variant has not been reported in the literature in individuals affected with TYR-related conditions. Algorithms developed to predict the effect of missense changes on protein structure and function are either unavailable or do not agree on the potential impact of this missense change (SIFT: "Tolerated"; PolyPhen-2: "Possibly Damaging"; Align-GVGD: "Class C0"). In summary, the available evidence is currently insufficient to determine the role of this variant in disease. Therefore, it has been classified as a Variant of Uncertain Significance.

Literature cited by the submitters: PubMed 35887175 (cited by Women's Health and Genetics/Laboratory Corporation of America, LabCorp).